The following is an entry in ClinVar:

ClinVar aggregate classification (germline): Benign (1 of 4 stars; one submission).

Conditions:
Familial cancer of breast. Also called: hereditary breast carcinoma; BREAST CANCER, FAMILIAL; Hereditary breast cancer. Identifiers: Orphanet 227535, MedGen C0346153, MONDO:0016419, OMIM 114480. Disease mechanism: loss of function.

Submission:

Myriad Genetics, Inc.
Classification: Benign for Familial cancer of breast. Last evaluated: 2024-06-20. Review status: criteria provided, single submitter. Criteria: Myriad Autosomal Dominant, Autosomal Recessive and X-Linked Classification Criteria (2023). Collection method: clinical testing. Allele origin: unknown.
Comment: This variant is considered benign. This variant is a silent/synonymous amino acid change and it is not expected to impact splicing.

NM_000051.4(ATM):c.8553T>G (p.Ala2851=)

Genes: ATM (ATM serine/threonine kinase; plus strand), C11orf65 (chromosome 11 open reading frame 65; minus strand). Cytogenetic location: 11q22.3.
Variant type: single nucleotide variant.
Coding change: c.8553T>G on transcript NM_000051.4 (MANE Select); coding-DNA position 8553, T replaced by G.
Protein change: p.Ala2851=; no amino-acid change (alanine 2851 retained).
Molecular consequence: synonymous variant. On other transcripts: intron variant (2).
Genome position (GRCh38, 1-based): chr11:108,345,877, T>G. VCF-style: chr11-108345877-T-G. GRCh37 (hg19) VCF-style: chr11-108216604-T-G.
Other names: c.8553T>G, p.Ala2851= (NM_001351834.2); c.641-36806A>C (NM_001330368.2); c.695-10585A>C (NM_001351110.2).
Identifiers: ClinVar variation 3253924 (VCV003253924.1), dbSNP rs2137035844.